The following is an entry in ClinVar:

ClinVar aggregate classification (germline): Conflicting classifications of pathogenicity. Review status: criteria provided, conflicting classifications (1 of 4 stars). 2 submissions from 2 submitters: Uncertain significance (1); Likely benign (1). Last evaluated 2024-03-14.

Conditions:
Long QT syndrome (LQTS). Identifiers: MedGen C0023976, MeSH D008133, MONDO:0002442. Disease mechanism: loss of function. Inheritance: Various modes of inheritance.
Cardiovascular phenotype. Identifiers: MedGen CN230736.

Submissions (2):

Labcorp Genetics (formerly Invitae), Labcorp
Classification: Uncertain significance for Long QT syndrome. Last evaluated: 2024-03-14. Review status: criteria provided, single submitter. Criteria: Invitae Variant Classification Sherloc (09022015). Collection method: clinical testing. Allele origin: germline.
Comment: This sequence change replaces threonine, which is neutral and polar, with isoleucine, which is neutral and non-polar, at codon 2258 of the ANK2 protein (p.Thr2258Ile). This variant is present in population databases (no rsID available, gnomAD 0.006%). This variant has not been reported in the literature in individuals affected with ANK2-related conditions. ClinVar contains an entry for this variant (Variation ID: 1755363). Algorithms developed to predict the effect of missense changes on protein structure and function output the following: SIFT: "Not Available"; PolyPhen-2: "Benign"; Align-GVGD: "Not Available". The isoleucine amino acid residue is found in multiple mammalian species, which suggests that this missense change does not adversely affect protein function. In summary, the available evidence is currently insufficient to determine the role of this variant in disease. Therefore, it has been classified as a Variant of Uncertain Significance.

Ambry Genetics
Classification: Likely benign for Cardiovascular phenotype. Last evaluated: 2022-07-08. Review status: criteria provided, single submitter. Criteria: Ambry Variant Classification Scheme 2023. Collection method: clinical testing. Allele origin: germline.

NM_001148.6(ANK2):c.6773C>T (p.Thr2258Ile)

Gene: ANK2 (ankyrin 2; plus strand). Cytogenetic location: 4q26.
Variant type: single nucleotide variant.
Coding change: c.6773C>T on transcript NM_001148.6 (MANE Select); coding-DNA position 6773, C replaced by T.
Protein change: p.Thr2258Ile; replaces threonine 2258 with isoleucine.
Molecular consequence: missense variant. On other transcripts: intron variant (68).
Genome position (GRCh38, 1-based): chr4:113,355,391, C>T. VCF-style: chr4-113355391-C-T. GRCh37 (hg19) VCF-style: chr4-114276547-C-T.
Other names: c.6539C>T, p.Thr2180Ile (NM_001386142.1); c.3173C>T, p.Thr1058Ile (NM_001386166.1); c.6914C>T, p.Thr2305Ile (NM_001386174.1); c.6890C>T, p.Thr2297Ile (NM_001386175.1); c.4411+5142C>T (NM_001386186.2, NM_001386148.2); c.4213+5142C>T (NM_001354269.3); c.4291+5142C>T (NM_001386187.2); c.4252+5142C>T (NM_001386147.1); and 35 more; short protein forms T2180I, T2258I, T1058I, T2297I, T2305I.
Identifiers: ClinVar variation 1755363 (VCV001755363.4), dbSNP rs1387199656, ClinGen allele CA357928115.